The following is an entry in ClinVar:

ClinVar aggregate classification (germline): Uncertain significance (1 of 4 stars; one submission).

Allele frequency attached by ClinVar (database versions not stated): gnomAD 0.00001; gnomAD exomes 0.00001; TOPMed 0.00001.
gnomAD v4.1: 5 of 1,612,032 alleles (0.00031%); highest among the groups gnomAD compares: Admixed American, 0.0017%; no homozygotes.

Submission:

Labcorp Genetics (formerly Invitae), Labcorp
Classification: Uncertain significance. Last evaluated: 2022-05-28. Review status: criteria provided, single submitter. Criteria: Invitae Variant Classification Sherloc (09022015). Collection method: clinical testing. Allele origin: germline.
Comment: This sequence change replaces proline, which is neutral and non-polar, with serine, which is neutral and polar, at codon 521 of the MYO15A protein (p.Pro521Ser). The frequency data for this variant in the population databases is considered unreliable, as metrics indicate poor data quality at this position in the gnomAD database. This variant has not been reported in the literature in individuals affected with MYO15A-related conditions. Advanced modeling of protein sequence and biophysical properties (such as structural, functional, and spatial information, amino acid conservation, physicochemical variation, residue mobility, and thermodynamic stability) performed at Invitae indicates that this missense variant is not expected to disrupt MYO15A protein function. In summary, the available evidence is currently insufficient to determine the role of this variant in disease. Therefore, it has been classified as a Variant of Uncertain Significance.

NM_016239.4(MYO15A):c.1561C>T (p.Pro521Ser)

Gene: MYO15A (myosin XVA; plus strand). Cytogenetic location: 17p11.2.
Variant type: single nucleotide variant.
Coding change: c.1561C>T on transcript NM_016239.4 (MANE Select); coding-DNA position 1561, C replaced by T.
Protein change: p.Pro521Ser; replaces proline 521 with serine.
Molecular consequence: missense variant.
Genome position (GRCh38, 1-based): chr17:18,120,361, C>T. VCF-style: chr17-18120361-C-T. GRCh37 (hg19) VCF-style: chr17-18023675-C-T.
Other names: short protein forms P521S.
Identifiers: ClinVar variation 2183848 (VCV002183848.1), dbSNP rs1395423278, ClinGen allele CA398579595.